The following is an entry in ClinVar:

NM_001356.5(DDX3X):c.361C>T (p.Arg121Cys)

Gene: DDX3X (DEAD-box helicase 3 X-linked; plus strand). Cytogenetic location: Xp11.4.
Variant type: single nucleotide variant.
Coding change: c.361C>T on transcript NM_001356.5 (MANE Select); coding-DNA position 361, C replaced by T.
Protein change: p.Arg121Cys; replaces arginine 121 with cysteine.
Molecular consequence: missense variant. On other transcripts: 5 prime UTR variant (1), non-coding transcript variant (1).
Genome position (GRCh38, 1-based): chrX:41,342,571, C>T. VCF-style: chrX-41342571-C-T. GRCh37 (hg19) VCF-style: chrX-41201824-C-T.
Other names: c.361C>T, p.Arg121Cys (NM_001193416.3); c.313C>T, p.Arg105Cys (NM_001193417.3); c.-198C>T (NM_001363819.1); short protein forms R105C, R121C.
Identifiers: ClinVar variation 1949592 (VCV001949592.5), dbSNP rs776128256, ClinGen allele CA10389409.

ClinVar aggregate classification (germline): Uncertain significance (1 of 4 stars; one submission).

Allele frequency attached by ClinVar (database versions not stated): gnomAD exomes below 0.00001; ExAC 0.00001; gnomAD 0.00001.
gnomAD v4.1: 3 of 1,209,951 alleles (0.00025%); highest among the groups gnomAD compares: Non-Finnish European, 0.00034%; no homozygotes.

Submission:

Labcorp Genetics (formerly Invitae), Labcorp
Classification: Uncertain significance. Last evaluated: 2025-06-06. Review status: criteria provided, single submitter. Criteria: Invitae Variant Classification Sherloc (09022015). Collection method: clinical testing. Allele origin: germline.
Comment: This sequence change replaces arginine, which is basic and polar, with cysteine, which is neutral and slightly polar, at codon 121 of the DDX3X protein (p.Arg121Cys). This variant is present in population databases (rs776128256, gnomAD 0.001%). This variant has not been reported in the literature in individuals affected with DDX3X-related conditions. ClinVar contains an entry for this variant (Variation ID: 1949592). Experimental studies and prediction algorithms are not available or were not evaluated, and the functional significance of this variant is currently unknown. In summary, the available evidence is currently insufficient to determine the role of this variant in disease. Therefore, it has been classified as a Variant of Uncertain Significance.